The following is an entry in ClinVar:

ClinVar aggregate classification (germline): Pathogenic (1 of 4 stars; one submission).

Conditions:
Early-infantile DEE. Also called: Ohtahara syndrome; Early infantile epileptic encephalopathy with suppression bursts; Early infantile epileptic encephalopathy. Identifiers: Orphanet 1934, MedGen C0393706, MONDO:0800491.

Submission:

Labcorp Genetics (formerly Invitae), Labcorp
Classification: Pathogenic for Early-infantile DEE. Last evaluated: 2022-03-23. Review status: criteria provided, single submitter. Criteria: Invitae Variant Classification Sherloc (09022015). Collection method: clinical testing. Allele origin: germline.
Comment: This variant disrupts the p.391 amino acid residue in HCN1. Other variant(s) that disrupt this residue have been determined to be pathogenic (PMID: 30351409). This suggests that this residue is clinically significant, and that variants that disrupt this residue are likely to be disease-causing. For these reasons, this variant has been classified as Pathogenic. Advanced modeling of protein sequence and biophysical properties (such as structural, functional, and spatial information, amino acid conservation, physicochemical variation, residue mobility, and thermodynamic stability) performed at Invitae indicates that this missense variant is expected to disrupt HCN1 protein function. ClinVar contains an entry for this variant (Variation ID: 1074847). This missense change has been observed in individual(s) with clinical features of early infantile epileptic encephalopathy (Invitae). In at least one individual the variant was observed to be de novo. This variant is not present in population databases (gnomAD no frequency). This sequence change replaces glycine, which is neutral and non-polar, with valine, which is neutral and non-polar, at codon 391 of the HCN1 protein (p.Gly391Val).

Literature cited by the submitters: PubMed 30351409.

NM_021072.4(HCN1):c.1172G>T (p.Gly391Val)

Gene: HCN1 (hyperpolarization activated cyclic nucleotide gated potassium channel 1; minus strand). Cytogenetic location: 5p12.
Variant type: single nucleotide variant.
Coding change: c.1172G>T on transcript NM_021072.4 (MANE Select); coding-DNA position 1172, G replaced by T.
Protein change: p.Gly391Val; replaces glycine 391 with valine.
Molecular consequence: missense variant.
Genome position (GRCh38, 1-based): chr5:45,396,550, C>A on the plus strand (G>T on the coding strand, the complement: HCN1 is on the minus strand). VCF-style: chr5-45396550-C-A. GRCh37 (hg19) VCF-style: chr5-45396652-C-A.
Other names: short protein forms G391V.
Identifiers: ClinVar variation 1074847 (VCV001074847.11), dbSNP rs1057519547, ClinGen allele CA359705262.
Genomic context (GRCh38, chr5:45,396,550, plus strand): 5'-ACCTTCTCTTGATACTGCCGCCTCGAAGAATCCAGAGACTGGATTAAAGCGGTGGCATGG[C>A]CGACAAACATGGCATAGCAGGTGGCCCCGACGATCATGCTCAGCATGGTAATCCAGAGGT-3'
Protein context (NP_066550.2, residues 381-401): VGATCYAMFV[Gly391Val]HATALIQSLD